The following is an entry in ClinVar:

ClinVar aggregate classification (germline): Benign (1 of 4 stars; one submission).

Allele frequency attached by ClinVar (database versions not stated): gnomAD exomes 0.07447; gnomAD 0.10930 and 0.10982; TOPMed 0.12291; 1000 Genomes Project 30x 0.15615; 1000 Genomes Project 0.15735.
gnomAD v4.1: 41,802 of 489,836 alleles (8.5%); highest among the groups gnomAD compares: East Asian, 21%; 2,647 homozygotes.

Submission:

GeneDx
Classification: Benign. Last evaluated: 2018-06-19. Review status: criteria provided, single submitter. Criteria: GeneDx Variant Classification (06012015). Collection method: clinical testing. Allele origin: germline. Affected: yes.
Comment: This variant is considered likely benign or benign based on one or more of the following criteria: it is a conservative change, it occurs at a poorly conserved position in the protein, it is predicted to be benign by multiple in silico algorithms, and/or has population frequency not consistent with disease.

NM_006493.4(CLN5):c.339+309T>C

Gene: CLN5 (CLN5 intracellular trafficking protein; plus strand). Cytogenetic location: 13q22.3.
Variant type: single nucleotide variant.
Coding change: c.339+309T>C on transcript NM_006493.4 (MANE Select); 309 bases into the intron after coding-DNA position 339, T replaced by C.
Molecular consequence: intron variant.
Genome position (GRCh38, 1-based): chr13:76,995,537, T>C. VCF-style: chr13-76995537-T-C. GRCh37 (hg19) VCF-style: chr13-77569672-T-C.
Other names: c.339+309T>C (NM_001366624.2).
Identifiers: ClinVar variation 668819 (VCV000668819.1), dbSNP rs9573972, ClinGen allele CA252176454.
Genomic context (GRCh38, chr13:76,995,537, plus strand): 5'-AAGGTGAGAAGAGGCCCAGAAGTGGCAGGGCAGGCAGGTAACACCTCTTGATTTCCATAC[T>C]CTGTTGTAGTCACTTTTCCAGGTTAACCCATCACCATGTGAGGTCTGTAGAGCTGCTTCC-3'